The following is an entry in ClinVar:

NM_014956.5(CEP164):c.3331C>T (p.Arg1111Cys)

Gene: CEP164 (centrosomal protein 164; plus strand). Cytogenetic location: 11q23.3.
Variant type: single nucleotide variant.
Coding change: c.3331C>T on transcript NM_014956.5 (MANE Select); coding-DNA position 3331, C replaced by T.
Protein change: p.Arg1111Cys; replaces arginine 1111 with cysteine.
Molecular consequence: missense variant.
Genome position (GRCh38, 1-based): chr11:117,397,143, C>T. VCF-style: chr11-117397143-C-T. GRCh37 (hg19) VCF-style: chr11-117267859-C-T.
Other names: c.3340C>T, p.Arg1114Cys (NM_001271933.2); c.3331C>T (NM_014956.4); short protein forms R1111C, R1114C.
Identifiers: ClinVar variation 3671635 (VCV003671635.3).

ClinVar aggregate classification (germline): Uncertain significance. Review status: criteria provided, multiple submitters, no conflicts (2 of 4 stars). 2 submissions from 2 submitters: Uncertain significance (2). Last evaluated 2026-04-22.

Conditions:
CEP164-related disorder. Also called: CEP164-related condition.
Nephronophthisis 15 (NPHP15). Identifiers: Orphanet 3156, MedGen C3541853, MONDO:0013917, OMIM 614845.

gnomAD v4.1: 8 of 1,614,218 alleles (0.0005%); highest among the groups gnomAD compares: Admixed American, 0.005%; no homozygotes.

Submissions (2):

PreventionGenetics, part of Exact Sciences
Classification: Uncertain significance for CEP164-related condition. Last evaluated: 2026-04-22. Review status: criteria provided, single submitter. Criteria: ACMG Guidelines, 2015. Collection method: clinical testing. Allele origin: germline.
Comment: The CEP164 c.3331C>T variant is predicted to result in the amino acid substitution p.Arg1111Cys. This variant was reported in an individual with retinal/optic nerve disease; however, no specific case information was provided and there was no indication of a second variant (Sup Table 12, Diñeiro et al. 2020. PubMed ID: 32483926). This variant is reported in 0.0085% of alleles in individuals of Latino descent in gnomAD. At this time, the clinical significance of this variant is uncertain due to the absence of conclusive functional and genetic evidence.

Labcorp Genetics (formerly Invitae), Labcorp
Classification: Uncertain significance for Nephronophthisis 15. Last evaluated: 2024-03-29. Review status: criteria provided, single submitter. Criteria: Invitae Variant Classification Sherloc (09022015). Collection method: clinical testing. Allele origin: germline.
Comment: This sequence change replaces arginine, which is basic and polar, with cysteine, which is neutral and slightly polar, at codon 1111 of the CEP164 protein (p.Arg1111Cys). The frequency data for this variant in the population databases is considered unreliable, as metrics indicate poor data quality at this position in the gnomAD database. This missense change has been observed in individual(s) with clinical features of CEP164-related conditions (PMID: 32483926). Advanced modeling of protein sequence and biophysical properties (such as structural, functional, and spatial information, amino acid conservation, physicochemical variation, residue mobility, and thermodynamic stability) performed at Invitae indicates that this missense variant is not expected to disrupt CEP164 protein function with a negative predictive value of 80%. In summary, the available evidence is currently insufficient to determine the role of this variant in disease. Therefore, it has been classified as a Variant of Uncertain Significance.

Literature cited by the submitters: PubMed 32483926 (cited by Labcorp Genetics (formerly Invitae), Labcorp).